The following is an entry in ClinVar:

NM_000535.7(PMS2):c.24-17_24-16delinsAA

Gene: PMS2 (PMS1 homolog 2, mismatch repair system component; minus strand). Cytogenetic location: 7p22.1.
Variant type: Indel.
Coding change: c.24-17_24-16delinsAA on transcript NM_000535.7 (MANE Select); 17 bases into the intron before coding-DNA position 24 through 16 bases into the intron before coding-DNA position 24, GT replaced by AA.
Molecular consequence: intron variant.
Genome position (GRCh38, 1-based): chr7:6,006,047-6,006,048, AC replaced by TT on the plus strand (GT replaced by AA on the coding strand, the reverse complement: PMS2 is on the minus strand). VCF-style: chr7-6006047-AC-TT. GRCh37 (hg19) VCF-style: chr7-6045678-AC-TT.
Other names: c.-242-1990_-242-1989delinsAA (NM_001406911.1, NM_001322010.2, NM_001322004.2); c.-321-1990_-321-1989delinsAA (NM_001406879.1); c.-187-22_-187-21delinsAA (NM_001406902.1, NM_001406883.1); c.-324-22_-324-21delinsAA (NM_001406904.1, NM_001406889.1); c.-377-22_-377-21delinsAA (NM_001322013.2, NM_001406905.1, NM_001406906.1 and 6 more transcripts); c.-856-22_-856-21delinsAA (NM_001322012.2); c.-456-22_-456-21delinsAA (NM_001322015.2); c.-192-17_-192-16delinsAA (NM_001406896.1, NM_001406901.1, NM_001406903.1 and 2 more transcripts); and 12 more.
Identifiers: ClinVar variation 3728963 (VCV003728963.2).

ClinVar aggregate classification (germline): Uncertain significance (1 of 4 stars; one submission).

Conditions:
Hereditary nonpolyposis colorectal neoplasms. Identifiers: MedGen C0009405, MeSH D003123.

Submission:

Labcorp Genetics (formerly Invitae), Labcorp
Classification: Uncertain significance for Hereditary nonpolyposis colorectal neoplasms. Last evaluated: 2025-01-14. Review status: criteria provided, single submitter. Criteria: Invitae Variant Classification Sherloc (09022015). Collection method: clinical testing. Allele origin: germline.
Comment: This sequence change falls in intron 1 of the PMS2 gene. It does not directly change the encoded amino acid sequence of the PMS2 protein. Information on the frequency of this variant in the gnomAD database is not available, as this variant may be reported differently in the database. This variant has not been reported in the literature in individuals affected with PMS2-related conditions. Experimental studies and prediction algorithms are not available or were not evaluated, and the effect of this variant on mRNA splicing is currently unknown. In summary, the available evidence is currently insufficient to determine the role of this variant in disease. Therefore, it has been classified as a Variant of Uncertain Significance.